The following is an entry in ClinVar:

ClinVar aggregate classification (germline): Pathogenic (1 of 4 stars; one submission).

Submission:

Labcorp Genetics (formerly Invitae), Labcorp
Classification: Pathogenic. Last evaluated: 2021-09-16. Review status: criteria provided, single submitter. Criteria: Invitae Variant Classification Sherloc (09022015). Collection method: clinical testing. Allele origin: germline.
Comment: This variant disrupts a region of the MYO7A protein in which other variant(s) (p.Ile134Asn) have been determined to be pathogenic (PMID: 25468891, 26969326; Invitae). This suggests that this is a clinically significant region of the protein, and that variants that disrupt it are likely to be disease-causing. This variant has not been reported in the literature in individuals affected with MYO7A-related conditions. This variant is a gross deletion of the genomic region encompassing exon(s) 4-15 of the MYO7A gene. This variant would be expected to be in-frame, preserving the integrity of the reading frame. For these reasons, this variant has been classified as Pathogenic.

Literature cited by the submitters: PubMed 25468891; PubMed 26969326.

NC_000011.9:g.(?_76858834)_(76877218_?)del

Gene: MYO7A (myosin VIIA; plus strand). Cytogenetic location: 11q13.5.
Variant type: Deletion.
Identifiers: ClinVar variation 1458889 (VCV001458889.4).